The following is an entry in ClinVar:

NM_001042492.3(NF1):c.916del (p.Ala306fs)

Gene: NF1 (neurofibromin 1; plus strand). Cytogenetic location: 17q11.2.
Variant type: Deletion.
Coding change: c.916del on transcript NM_001042492.3 (MANE Select); coding-DNA position 916, one base deleted (G; older notation c.916delG).
Protein change: p.Ala306fs; shifts the reading frame from alanine 306.
Molecular consequence: frameshift variant.
Genome position (GRCh38, 1-based): chr17:31,200,449, G deleted. VCF-style (leftmost placement, unchanged base first): chr17-31200448-AG-A. GRCh37 (hg19) VCF-style: chr17-29527466-AG-A.
Other names: c.916delG, p.Ala306Leufs (NM_000267.4); c.916del, p.Ala306fs (NM_001128147.3); short protein forms A306fs.
Identifiers: ClinVar variation 1451773 (VCV001451773.6), dbSNP rs2143872349, ClinGen allele CA2573153754.
Genomic context (GRCh38, chr17:31,200,448, plus strand): 5'-TATATTATCTTATCGCTATATTTGAATTCTGTAGAAGTTATTTCTGGACAGTCTACGAAA[AG>A]CTCTTGCTGGCCATGGAGGAAGTAGGCAGCTGACAGAAAGTGCTGCAATTGCCTGTGTCA-3'

ClinVar aggregate classification (germline): Pathogenic (1 of 4 stars; one submission).

Conditions:
Neurofibromatosis, type 1 (NF1). Also called: NEUROFIBROMATOSIS, TYPE I, SOMATIC; VON RECKLINGHAUSEN DISEASE; Peripheral type neurofibromatosis; Neurofibromatosis, type I. Identifiers: Orphanet 636, MedGen C0027831, MONDO:0018975, OMIM 162200. Disease mechanism: loss of function.

Submission:

Labcorp Genetics (formerly Invitae), Labcorp
Classification: Pathogenic for Neurofibromatosis, type 1. Last evaluated: 2024-06-18. Review status: criteria provided, single submitter. Criteria: Invitae Variant Classification Sherloc (09022015). Collection method: clinical testing. Allele origin: germline.
Comment: This sequence change creates a premature translational stop signal (p.Ala306Leufs*11) in the NF1 gene. It is expected to result in an absent or disrupted protein product. Loss-of-function variants in NF1 are known to be pathogenic (PMID: 10712197, 23913538). This variant is not present in population databases (gnomAD no frequency). This premature translational stop signal has been observed in individual(s) with clinical features of NF1-related conditions (PMID: 15060124). ClinVar contains an entry for this variant (Variation ID: 1451773). For these reasons, this variant has been classified as Pathogenic.

Literature cited by the submitters: PubMed 10712197; PubMed 23913538; PubMed 15060124.